The following is an entry in ClinVar:

ClinVar aggregate classification (germline): Uncertain significance (1 of 4 stars; one submission).

Submission:

Ambry Genetics
Classification: Uncertain significance. Last evaluated: 2025-06-13. Review status: criteria provided, single submitter. Criteria: Ambry Variant Classification Scheme 2023. Collection method: clinical testing. Allele origin: germline.
Comment: The p.C206R variant (also known as c.616T>C), located in coding exon 6 of the SRP72 gene, results from a T to C substitution at nucleotide position 616. The cysteine at codon 206 is replaced by arginine, an amino acid with highly dissimilar properties. This amino acid position is conserved. In addition, this alteration is predicted to be deleterious by in silico analysis. Based on the available evidence, the clinical significance of this variant remains unclear.

NM_006947.4(SRP72):c.616T>C (p.Cys206Arg)

Gene: SRP72 (signal recognition particle 72; plus strand). Cytogenetic location: 4q12.
Variant type: single nucleotide variant.
Coding change: c.616T>C on transcript NM_006947.4 (MANE Select); coding-DNA position 616, T replaced by C.
Protein change: p.Cys206Arg; replaces cysteine 206 with arginine.
Molecular consequence: missense variant. On other transcripts: non-coding transcript variant (1).
Genome position (GRCh38, 1-based): chr4:56,476,676, T>C. VCF-style: chr4-56476676-T-C. GRCh37 (hg19) VCF-style: chr4-57342842-T-C.
Other names: c.616T>C, p.Cys206Arg (NM_001267722.2); short protein forms C206R.
Identifiers: ClinVar variation 3962147 (VCV003962147.1).